The following is an entry in ClinVar:

ClinVar aggregate classification (germline): Conflicting classifications of pathogenicity. Review status: criteria provided, conflicting classifications (1 of 4 stars). 3 submissions from 3 submitters: Uncertain significance (1); Likely benign (2). Last evaluated 2025-06-11.

Conditions:
Neuronopathy, distal hereditary motor, type 7B. Also called: NEURONOPATHY, DISTAL HEREDITARY MOTOR, AUTOSOMAL DOMINANT 14; NEURONOPATHY, DISTAL HEREDITARY MOTOR, HARDING TYPE VIIB; NEUROPATHY, DISTAL HEREDITARY MOTOR, HARDING TYPE VIIB; NEUROPATHY, DISTAL HEREDITARY MOTOR, WITH VOCAL CORD PARALYSIS, HARDING TYPE VIIB; HMN VIIB; LOWER MOTOR NEURON DISEASE, DYNACTIN TYPE. Identifiers: Orphanet 139589, MedGen C1843315, MONDO:0011879, OMIM 607641.
Perry syndrome. Also called: PARKINSONISM WITH ALVEOLAR HYPOVENTILATION AND MENTAL DEPRESSION. Identifiers: Orphanet 178509, MedGen C1868594, MONDO:0008201, OMIM 168605.
Amyotrophic lateral sclerosis type 1 (ALS1). Also called: AMYOTROPHIC LATERAL SCLEROSIS 1, FAMILIAL. Identifiers: Orphanet 803, MedGen C1862939, MONDO:0007103, OMIM 105400.
DCTN1-related disorder. Also called: DCTN1-related condition.

Allele frequency attached by ClinVar (database versions not stated): TOPMed 0.00001; gnomAD 0.00003 and 0.00004; gnomAD exomes 0.00004 and 0.00005; ExAC 0.00006.
gnomAD v4.1: 67 of 1,613,734 alleles (0.0042%); highest among the groups gnomAD compares: Non-Finnish European, 0.0047%; no homozygotes.

Submissions (3):

PreventionGenetics, part of Exact Sciences
Classification: Uncertain significance for DCTN1-related condition. Last evaluated: 2025-06-11. Review status: criteria provided, single submitter. Criteria: ACMG Guidelines, 2015. Collection method: clinical testing. Allele origin: germline.
Comment: The DCTN1 c.3654A>G variant is not predicted to result in an amino acid change (p.=). This variant is predicted to alter splicing based on available splicing prediction programs (SpliceAI, Jaganathan et al. 2019. PubMed ID: 30661751). However, the use of computer prediction programs is not equivalent to functional evidence. This variant is reported in 0.010% of alleles in individuals of European (non-Finnish) descent in gnomAD. At this time, the clinical significance of this variant is uncertain due to the absence of conclusive functional and genetic evidence.

Labcorp Genetics (formerly Invitae), Labcorp
Classification: Likely benign for Amyotrophic lateral sclerosis type 1; Neuronopathy, distal hereditary motor, type 7B; Perry syndrome. Last evaluated: 2025-04-13. Review status: criteria provided, single submitter. Criteria: Invitae Variant Classification Sherloc (09022015). Collection method: clinical testing. Allele origin: germline.

Blueprint Genetics
Classification: Likely benign. Last evaluated: 2022-10-24. Review status: criteria provided, single submitter. Criteria: ACMG Guidelines, 2015. Collection method: clinical testing. Allele origin: germline.

NM_004082.5(DCTN1):c.3654A>G (p.Thr1218=)

Gene: DCTN1 (dynactin subunit 1; minus strand). Cytogenetic location: 2p13.1.
Variant type: single nucleotide variant.
Coding change: c.3654A>G on transcript NM_004082.5 (MANE Select); coding-DNA position 3654, A replaced by G.
Protein change: p.Thr1218=; no amino-acid change (threonine 1218 retained).
Molecular consequence: synonymous variant. On other transcripts: non-coding transcript variant (1).
Genome position (GRCh38, 1-based): chr2:74,362,097, T>C on the plus strand (A>G on the coding strand, the complement: DCTN1 is on the minus strand). VCF-style: chr2-74362097-T-C. GRCh37 (hg19) VCF-style: chr2-74589224-T-C.
Other names: c.3579A>G, p.Thr1193= (NM_001135040.3); c.3237A>G, p.Thr1079= (NM_001135041.3); c.3528A>G, p.Thr1176= (NM_001190836.2); c.3633A>G, p.Thr1211= (NM_001190837.2); c.3603A>G, p.Thr1201= (NM_001378991.1); c.3585A>G, p.Thr1195= (NM_001378992.1); c.3252A>G, p.Thr1084= (NM_023019.4); c.3654A>G (NM_004082.4).
Identifiers: ClinVar variation 1131450 (VCV001131450.12), dbSNP rs774374037, ClinGen allele CA1721402.
Genomic context (GRCh38, chr2:74,362,097, plus strand): 5'-CATGCTCCCCCTCACCCTGAGGAAGGCTGATGAAGGGAAGGTGGCAAAGTCAGTGGGTAC[T>C]GTGGCTCCAGGGCGCTGAGATACTGTCTCCTTGAGGACCTCATCCTAGGGAAGGGGAGAG-3'
Protein context (NP_004073.2, residues 1208-1228): KETVSQRPGA[Thr1218=]VPTDFATFPS